The following is an entry in ClinVar:

ClinVar aggregate classification (germline): Uncertain significance (1 of 4 stars; one submission).

Conditions:
Epileptic encephalopathy. Identifiers: MedGen C0543888, HP:0200134.

Submission:

Labcorp Genetics (formerly Invitae), Labcorp
Classification: Uncertain significance for Epileptic encephalopathy. Last evaluated: 2023-11-17. Review status: criteria provided, single submitter. Criteria: Invitae Variant Classification Sherloc (09022015). Collection method: clinical testing. Allele origin: germline.
Comment: This sequence change replaces alanine, which is neutral and non-polar, with glycine, which is neutral and non-polar, at codon 2399 of the FASN protein (p.Ala2399Gly). This variant is not present in population databases (gnomAD no frequency). This variant has not been reported in the literature in individuals affected with FASN-related conditions. An algorithm developed to predict the effect of missense changes on protein structure and function (PolyPhen-2) suggests that this variant is likely to be tolerated. In summary, the available evidence is currently insufficient to determine the role of this variant in disease. Therefore, it has been classified as a Variant of Uncertain Significance.

NM_004104.5(FASN):c.7196C>G (p.Ala2399Gly)

Genes: FASN (fatty acid synthase; minus strand), LOC129390948 (MPRA-validated peak3028 silencer; plus strand). Cytogenetic location: 17q25.3.
Variant type: single nucleotide variant.
Coding change: c.7196C>G on transcript NM_004104.5 (MANE Select); coding-DNA position 7196, C replaced by G.
Protein change: p.Ala2399Gly; replaces alanine 2399 with glycine.
Molecular consequence: missense variant.
Genome position (GRCh38, 1-based): chr17:82,079,559, G>C on the plus strand (C>G on the coding strand, the complement: FASN is on the minus strand). VCF-style: chr17-82079559-G-C. GRCh37 (hg19) VCF-style: chr17-80037435-G-C.
Other names: short protein forms A2399G.
Identifiers: ClinVar variation 2724073 (VCV002724073.3), dbSNP rs1202352709, ClinGen allele CA401596095.
Genomic context (GRCh38, chr17:82,079,559, plus strand): 5'-GCAAAGCTCAGCTCCTGGCGGTCCAGGCCCTGGTGGCTCTTGATGATCAGGTCCACGGCG[G>C]CTGCCACACGCTCCTCTAGGCCCTTCAGCGGCAGCAGCGCCTCCAGCACCTGTGGGGTCG-3'
Protein context (NP_004095.4, residues 2389-2409): PLKGLEERVA[Ala2399Gly]AVDLIIKSHQ